The following is an entry in ClinVar:

ClinVar aggregate classification (germline): Likely benign (1 of 4 stars; one submission).

Allele frequency attached by ClinVar (database versions not stated): 1000 Genomes Project 30x 0.00031; 1000 Genomes Project 0.00040; ExAC 0.00090; gnomAD 0.00192; gnomAD exomes 0.00220.
gnomAD v4.1: 2,881 of 1,300,214 alleles (0.22%); highest among the groups gnomAD compares: Middle Eastern, 0.64%; 6 homozygotes.

Submission:

CeGaT Center for Human Genetics Tuebingen
Classification: Likely benign. Last evaluated: 2024-04-01. Review status: criteria provided, single submitter. Criteria: CeGaT Center For Human Genetics Tuebingen Variant Classification Criteria Version 2. Collection method: clinical testing. Allele origin: germline. Affected: yes. Observed: 1 variant allele.
Comment: NKPD1: BS2

NM_198478.4(NKPD1):c.235G>A (p.Val79Ile)

Gene: NKPD1 (NTPase KAP family P-loop domain containing 1; minus strand). Cytogenetic location: 19q13.32.
Variant type: single nucleotide variant.
Coding change: c.235G>A on transcript NM_198478.4 (MANE Select); coding-DNA position 235, G replaced by A.
Protein change: p.Val79Ile; replaces valine 79 with isoleucine.
Molecular consequence: missense variant.
Genome position (GRCh38, 1-based): chr19:45,158,957, C>T on the plus strand (G>A on the coding strand, the complement: NKPD1 is on the minus strand). VCF-style: chr19-45158957-C-T. GRCh37 (hg19) VCF-style: chr19-45662215-C-T.
Other names: short protein forms V79I.
Identifiers: ClinVar variation 3234170 (VCV003234170.20), dbSNP rs188197202, ClinGen allele CA9509865.